The following is an entry in ClinVar:

ClinVar aggregate classification (germline): Uncertain significance (1 of 4 stars; one submission).

Allele frequency attached by ClinVar (database versions not stated): gnomAD exomes below 0.00001.
gnomAD v4.1: 2 of 1,599,202 alleles (0.00013%); highest among the groups gnomAD compares: Non-Finnish European, 0.00017%; no homozygotes.

Submission:

GeneDx
Classification: Uncertain significance. Last evaluated: 2022-06-30. Review status: criteria provided, single submitter. Criteria: GeneDx Variant Classification Process June 2021. Collection method: clinical testing. Allele origin: germline. Affected: yes.
Comment: Not observed at significant frequency in large population cohorts (gnomAD); In silico analysis supports that this missense variant does not alter protein structure/function; Has not been previously published as pathogenic or benign to our knowledge

NM_000334.4(SCN4A):c.1163G>C (p.Ser388Thr)

Gene: SCN4A (sodium voltage-gated channel alpha subunit 4; minus strand). Cytogenetic location: 17q23.3.
Variant type: single nucleotide variant.
Coding change: c.1163G>C on transcript NM_000334.4 (MANE Select); coding-DNA position 1163, G replaced by C.
Protein change: p.Ser388Thr; replaces serine 388 with threonine.
Molecular consequence: missense variant.
Genome position (GRCh38, 1-based): chr17:63,966,181, C>G on the plus strand (G>C on the coding strand, the complement: SCN4A is on the minus strand). VCF-style: chr17-63966181-C-G. GRCh37 (hg19) VCF-style: chr17-62043541-C-G.
Other names: short protein forms S388T.
Identifiers: ClinVar variation 1810094 (VCV001810094.1), dbSNP rs774218528, ClinGen allele CA400636201.